The following is an entry in ClinVar:

NM_001100913.3(PACS2):c.744A>G (p.Gln248=)

Gene: PACS2 (phosphofurin acidic cluster sorting protein 2; plus strand). Cytogenetic location: 14q32.33.
Variant type: single nucleotide variant.
Coding change: c.744A>G on transcript NM_001100913.3 (MANE Select); coding-DNA position 744, A replaced by G.
Protein change: p.Gln248=; no amino-acid change (glutamine 248 retained).
Molecular consequence: synonymous variant.
Genome position (GRCh38, 1-based): chr14:105,369,843, A>G. VCF-style: chr14-105369843-A-G. GRCh37 (hg19) VCF-style: chr14-105836180-A-G.
Other names: c.519A>G, p.Gln173= (NM_001243127.3); c.744A>G, p.Gln248= (NM_015197.4).
Identifiers: ClinVar variation 3723866 (VCV003723866.2).

ClinVar aggregate classification (germline): Uncertain significance (1 of 4 stars; one submission).

Submission:

Labcorp Genetics (formerly Invitae), Labcorp
Classification: Uncertain significance. Last evaluated: 2024-10-27. Review status: criteria provided, single submitter. Criteria: Invitae Variant Classification Sherloc (09022015). Collection method: clinical testing. Allele origin: germline.
Comment: This sequence change affects codon 248 of the PACS2 mRNA. It is a 'silent' change, meaning that it does not change the encoded amino acid sequence of the PACS2 protein. This variant is not present in population databases (gnomAD no frequency). This variant has not been reported in the literature in individuals affected with PACS2-related conditions. Algorithms developed to predict the effect of sequence changes on RNA splicing suggest that this variant may create or strengthen a splice site. In summary, the available evidence is currently insufficient to determine the role of this variant in disease. Therefore, it has been classified as a Variant of Uncertain Significance.